The following is an entry in ClinVar:

ClinVar aggregate classification (germline): Likely pathogenic (1 of 4 stars; one submission).

Conditions:
Early-onset progressive encephalopathy-hearing loss-pons hypoplasia-brain atrophy syndrome. Also called: ENCEPHALOPATHY, PROGRESSIVE, EARLY-ONSET, WITH BRAIN ATROPHY AND SPASTICITY. Identifiers: Orphanet 500144, MedGen C5567229, MONDO:0044696, OMIM 617669.

Submission:

Breakthrough Genomics
Classification: Likely pathogenic for Early-onset progressive encephalopathy-hearing loss-pons hypoplasia-brain atrophy syndrome. Last evaluated: 2020-12-22. Review status: criteria provided, single submitter. Criteria: ACMG Guidelines, 2015. Collection method: clinical testing. Allele origin: germline. Affected: yes.
Comment: This variant is predicted to cause a frameshift and consequent premature termination of the protein (p. Gly241AlafsTer58) and the resultant protein will likely to lack TPR1 to TPR4 repeats of the protein; this will likely result in loss-of-function. Due to the introduction of a premature stop codon, this aberrant transcript will likely be targeted by the nonsense-mediated mRNA decay (NMD) mechanism [PMID: 15040442]. The variant seems to be a novel variant, as it has not been previously reported in population or public databases or in the literature. However, several other frameshift variants such as; p.Glu49Argfs or p.Glu121Argfs , have been previously reported as deleterious in TRAPPC12 related progressive childhood encephalopathy patients in homozygous and compound-heterozygous state, respectively. [PMID: 28777934]

NM_016030.6(TRAPPC12):c.722del (p.Gly241fs)

Gene: TRAPPC12 (trafficking protein particle complex subunit 12; plus strand). Cytogenetic location: 2p25.3.
Variant type: Deletion.
Coding change: c.722del on transcript NM_016030.6 (MANE Select); coding-DNA position 722, one base deleted (G; older notation c.722delG).
Protein change: p.Gly241fs; shifts the reading frame from glycine 241.
Molecular consequence: frameshift variant.
Genome position (GRCh38, 1-based): chr2:3,388,345, G deleted; the last of 3 consecutive G bases (chr2:3,388,343-3,388,345); deleting any one gives the same sequence. VCF-style (leftmost placement, unchanged base first): chr2-3388342-CG-C. GRCh37 (hg19) VCF-style: chr2-3392113-CG-C.
Other names: p.Gly241AlafsTer58; c.722del, p.Gly241fs (NM_001321102.2); short protein forms G241fs.
Identifiers: ClinVar variation 3255601 (VCV003255601.2).